The following is an entry in ClinVar:

NM_014956.5(CEP164):c.1815A>G (p.Gln605=)

Gene: CEP164 (centrosomal protein 164; plus strand). Cytogenetic location: 11q23.3.
Variant type: single nucleotide variant.
Coding change: c.1815A>G on transcript NM_014956.5 (MANE Select); coding-DNA position 1815, A replaced by G.
Protein change: p.Gln605=; no amino-acid change (glutamine 605 retained).
Molecular consequence: synonymous variant.
Genome position (GRCh38, 1-based): chr11:117,387,293, A>G. VCF-style: chr11-117387293-A-G. GRCh37 (hg19) VCF-style: chr11-117258009-A-G.
Other names: c.1824A>G, p.Gln608= (NM_001271933.2).
Identifiers: ClinVar variation 793033 (VCV000793033.4), dbSNP rs1592325888, ClinGen allele CA476895408.

ClinVar aggregate classification (germline): Likely benign. Review status: criteria provided, multiple submitters, no conflicts (2 of 4 stars). 2 submissions from 2 submitters: Likely benign (2). Last evaluated 2024-12-20.

Conditions:
CEP164-related disorder. Also called: CEP164-related condition.

Allele frequency attached by ClinVar (database versions not stated): TOPMed below 0.00001; gnomAD 0.00001; gnomAD exomes below 0.00001.
gnomAD v4.1: 3 of 1,614,098 alleles (0.00019%); highest among the groups gnomAD compares: Non-Finnish European, 0.00025%; no homozygotes.

Submissions (2):

PreventionGenetics, part of Exact Sciences
Classification: Likely benign for CEP164-related condition. Last evaluated: 2024-12-20. Review status: criteria provided, single submitter. Criteria: ACMG Guidelines, 2015. Collection method: clinical testing. Allele origin: germline.
Comment: This variant is classified as likely benign based on ACMG/AMP sequence variant interpretation guidelines (Richards et al. 2015 PMID: 25741868, with internal and published modifications).

Labcorp Genetics (formerly Invitae), Labcorp
Classification: Likely benign. Last evaluated: 2018-10-17. Review status: criteria provided, single submitter. Criteria: Invitae Variant Classification Sherloc (09022015). Collection method: clinical testing. Allele origin: germline.